The following is an entry in ClinVar:

ClinVar aggregate classification (germline): Likely pathogenic (1 of 4 stars; one submission).

Conditions:
MEGF10-related myopathy (CMYO10A). Also called: Congenital myopathy 10A, severe variant. Identifiers: Orphanet 439212, MedGen C3280679, MONDO:0013731, OMIM 614399.

Submission:

Labcorp Genetics (formerly Invitae), Labcorp
Classification: Likely pathogenic for MEGF10-related myopathy. Last evaluated: 2022-07-25. Review status: criteria provided, single submitter. Criteria: Invitae Variant Classification Sherloc (09022015). Collection method: clinical testing. Allele origin: germline.
Comment: In summary, the currently available evidence indicates that the variant is pathogenic, but additional data are needed to prove that conclusively. Therefore, this variant has been classified as Likely Pathogenic. Algorithms developed to predict the effect of sequence changes on RNA splicing suggest that this variant may disrupt the consensus splice site. ClinVar contains an entry for this variant (Variation ID: 1466583). This variant has not been reported in the literature in individuals affected with MEGF10-related conditions. This variant is not present in population databases (gnomAD no frequency). This sequence change affects an acceptor splice site in intron 14 of the MEGF10 gene. It is expected to disrupt RNA splicing. Variants that disrupt the donor or acceptor splice site typically lead to a loss of protein function (PMID: 16199547), and loss-of-function variants in MEGF10 are known to be pathogenic (PMID: 22101682, 22371254, 23453856, 23954233).

Literature cited by the submitters: PubMed 16199547; PubMed 22101682; PubMed 22371254; PubMed 23453856; PubMed 23954233.

NM_001256545.2(MEGF10):c.1694-2A>G

Gene: MEGF10 (multiple EGF like domains 10; plus strand). Cytogenetic location: 5q23.2.
Variant type: single nucleotide variant.
Coding change: c.1694-2A>G on transcript NM_001256545.2 (MANE Select); the canonical splice acceptor site of the intron before coding-DNA position 1694, A replaced by G.
Molecular consequence: splice acceptor variant.
Genome position (GRCh38, 1-based): chr5:127,433,361, A>G. VCF-style: chr5-127433361-A-G. GRCh37 (hg19) VCF-style: chr5-126769053-A-G.
Other names: c.1694-2A>G (NM_032446.3).
Identifiers: ClinVar variation 1466583 (VCV001466583.8), dbSNP rs2126999837, ClinGen allele CA360731361.
Genomic context (GRCh38, chr5:127,433,361, plus strand): 5'-TAGCATCTGCGGAAACTCCGCACTGCCTCTCACTCAGCCTTGCCCCATGTGCATTATTTC[A>G]GGTGTCCACTGTGACAGCGTGTGTGCTGAGGGACGCTGGGGCCCCAACTGCTCCCTGCCC-3'